The following is an entry in ClinVar:

ClinVar aggregate classification (germline): Benign. Review status: criteria provided, multiple submitters, no conflicts (2 of 4 stars). 4 submissions from 4 submitters: Benign (4). Last evaluated 2026-02-02.

Conditions:
Occult macular dystrophy (OCMD). Also called: OCCULT MACULAR DYSTROPHY, SUSCEPTIBILITY TO; OMD. Identifiers: Orphanet 247834, MedGen C3150833, MONDO:0013316, OMIM 613587, HP:0030636.
Retinal dystrophy. Also called: Inherited retinal dystrophy. Identifiers: Orphanet 71862, MedGen C0854723, MeSH D058499, MONDO:0019118, HP:0000556.

Allele frequency attached by ClinVar (database versions not stated): TOPMed 0.01544; 1000 Genomes Project 0.02716; 1000 Genomes Project 30x 0.02780; gnomAD 0.01516 and 0.01518; ESP Exome Variant Server 0.01519.
gnomAD v4.1: 8,799 of 1,614,160 alleles (0.55%); highest among the groups gnomAD compares: African/African-American, 4.2%; 126 homozygotes.

Submissions (8):

Labcorp Genetics (formerly Invitae), Labcorp
Classification: Benign. Last evaluated: 2026-02-02. Review status: criteria provided, single submitter. Criteria: Invitae Variant Classification Sherloc (09022015). Collection method: clinical testing. Allele origin: germline.

Dept Of Ophthalmology, Nagoya University
Classification: Benign for Retinal dystrophy. Last evaluated: 2023-10-01. Review status: criteria provided, single submitter. Criteria: Submitter's publication. Collection method: research. Allele origin: germline. Affected: yes.

Illumina Laboratory Services, Illumina
Classification: Benign for Occult macular dystrophy. Last evaluated: 2018-01-13. Review status: criteria provided, single submitter. Criteria: ICSL Variant Classification Criteria 13 December 2019. Collection method: clinical testing. Allele origin: germline.
Comment: This variant was observed in the ICSL laboratory as part of a predisposition screen in an ostensibly healthy population. It had not been previously curated by ICSL or reported in the Human Gene Mutation Database (HGMD: prior to June 1st, 2018), and was therefore a candidate for classification through an automated scoring system. Utilizing variant allele frequency, disease prevalence and penetrance estimates, and inheritance mode, an automated score was calculated to assess if this variant is too frequent to cause the disease. Based on the score and internal cut-off values, a variant classified as benign is not then subjected to further curation. The score for this variant resulted in a classification of benign for this disease.

Breakthrough Genomics
Classification: Benign. Review status: criteria provided, single submitter. Criteria: ACMG Guidelines, 2015. Collection method: not provided. Allele origin: germline. Inheritance: Autosomal recessive inheritance. Affected: yes.

Dr. Peter K. Rogan Lab, Western University
No classification provided (evidence only). Condition: Clear cell carcinoma of kidney. Review status: no classification provided. Collection method: in vitro. Allele origin: not applicable. Functional consequence: retained intron. Not counted in ClinVar's aggregate classification.

Dr. Peter K. Rogan Lab, Western University
No classification provided (evidence only). Condition: Thymoma. Review status: no classification provided. Collection method: in vitro. Allele origin: not applicable. Functional consequence: retained intron. Not counted in ClinVar's aggregate classification.

Dr. Peter K. Rogan Lab, Western University
No classification provided (evidence only). Condition: Ovarian serous cystadenocarcinoma. Review status: no classification provided. Collection method: in vitro. Allele origin: not applicable. Functional consequence: retained intron. Not counted in ClinVar's aggregate classification.

Dr. Peter K. Rogan Lab, Western University
No classification provided (evidence only). Condition: Gastric cancer. Review status: no classification provided. Collection method: in vitro. Allele origin: not applicable. Functional consequence: retained intron. Not counted in ClinVar's aggregate classification.

NM_178857.6(RP1L1):c.547G>A (p.Gly183Ser)

Gene: RP1L1 (RP1 like 1). Cytogenetic location: 8p23.1.
Variant type: single nucleotide variant.
Coding change: c.547G>A on transcript NM_178857.6 (MANE Select); coding-DNA position 547, G replaced by A.
Protein change: p.Gly183Ser; replaces glycine 183 with serine.
Molecular consequence: missense variant.
Genome position (GRCh38, 1-based): chr8:10,622,655, C>T on the plus strand (G>A on the coding strand, the complement: RP1L1 is on the minus strand). VCF-style: chr8-10622655-C-T. GRCh37 (hg19) VCF-style: chr8-10480165-C-T.
Other names: short protein forms G183S.
Identifiers: ClinVar variation 361404 (VCV000361404.18), dbSNP rs115126172, ClinGen allele CA4625648.